The following is an entry in ClinVar:

NM_183075.3(CYP2U1):c.1150A>G (p.Arg384Gly)

Gene: CYP2U1 (cytochrome P450 family 2 subfamily U member 1; plus strand). Cytogenetic location: 4q25.
Variant type: single nucleotide variant.
Coding change: c.1150A>G on transcript NM_183075.3 (MANE Select); coding-DNA position 1150, A replaced by G.
Protein change: p.Arg384Gly; replaces arginine 384 with glycine.
Molecular consequence: missense variant.
Genome position (GRCh38, 1-based): chr4:107,947,399, A>G. VCF-style: chr4-107947399-A-G. GRCh37 (hg19) VCF-style: chr4-108868555-A-G.
Other names: c.1150A>G (NM_183075.2); short protein forms R384G.
Identifiers: ClinVar variation 2170964 (VCV002170964.5), dbSNP rs1381493846, ClinGen allele CA357838207.

ClinVar aggregate classification (germline): Uncertain significance. Review status: criteria provided, multiple submitters, no conflicts (2 of 4 stars). 2 submissions from 2 submitters: Uncertain significance (2). Last evaluated 2025-08-23.

Conditions:
Spastic paraplegia. Identifiers: MedGen C0037772, HP:0001258.
Inborn genetic diseases. Identifiers: MedGen C0950123, MeSH D030342.

Allele frequency attached by ClinVar (database versions not stated): gnomAD exomes below 0.00001.
gnomAD v4.1: 1 of 1,614,112 alleles (0.000062%); highest among the groups gnomAD compares: Admixed American, 0.0017%; no homozygotes.

Submissions (2):

Ambry Genetics
Classification: Uncertain significance for Inborn genetic diseases. Last evaluated: 2025-08-23. Review status: criteria provided, single submitter. Criteria: Ambry Variant Classification Scheme 2023. Collection method: clinical testing. Allele origin: germline.

Labcorp Genetics (formerly Invitae), Labcorp
Classification: Uncertain significance for Spastic paraplegia. Last evaluated: 2024-02-24. Review status: criteria provided, single submitter. Criteria: Invitae Variant Classification Sherloc (09022015). Collection method: clinical testing. Allele origin: germline.
Comment: This sequence change replaces arginine, which is basic and polar, with glycine, which is neutral and non-polar, at codon 384 of the CYP2U1 protein (p.Arg384Gly). This variant is present in population databases (no rsID available, gnomAD 0.003%). This variant has not been reported in the literature in individuals affected with CYP2U1-related conditions. ClinVar contains an entry for this variant (Variation ID: 2170964). Advanced modeling of protein sequence and biophysical properties (such as structural, functional, and spatial information, amino acid conservation, physicochemical variation, residue mobility, and thermodynamic stability) performed at Invitae indicates that this missense variant is not expected to disrupt CYP2U1 protein function with a negative predictive value of 95%. In summary, the available evidence is currently insufficient to determine the role of this variant in disease. Therefore, it has been classified as a Variant of Uncertain Significance.